The following is an entry in ClinVar:

ClinVar aggregate classification (germline): Uncertain significance (1 of 4 stars; one submission).

gnomAD v4.1: 3 of 1,613,264 alleles (0.00019%); highest among the groups gnomAD compares: African/African-American, 0.0027%; no homozygotes.

Submission:

GeneDx
Classification: Uncertain significance. Last evaluated: 2024-06-24. Review status: criteria provided, single submitter. Criteria: GeneDx Variant Classification Process June 2021. Collection method: clinical testing. Allele origin: germline. Affected: yes.
Comment: Canonical splice site variant predicted to result in an in-frame loss of the adjacent exon in a gene for which loss of function is a known mechanism of disease; Has not been previously published as pathogenic or benign to our knowledge

NM_020338.4(ZMIZ1):c.1491+1G>A

Gene: ZMIZ1 (zinc finger MIZ-type containing 1; plus strand). Cytogenetic location: 10q22.3.
Variant type: single nucleotide variant.
Coding change: c.1491+1G>A on transcript NM_020338.4 (MANE Select); the canonical splice donor site of the intron after coding-DNA position 1491, G replaced by A.
Molecular consequence: splice donor variant.
Genome position (GRCh38, 1-based): chr10:79,297,691, G>A. VCF-style: chr10-79297691-G-A. GRCh37 (hg19) VCF-style: chr10-81057448-G-A.
Identifiers: ClinVar variation 3392651 (VCV003392651.1).